The following is an entry in ClinVar:

NM_020184.4(CNNM4):c.2130+5G>A

Gene: CNNM4 (cyclin and CBS domain divalent metal cation transport mediator 4; plus strand). Cytogenetic location: 2q11.2.
Variant type: single nucleotide variant.
Coding change: c.2130+5G>A on transcript NM_020184.4 (MANE Select); 5 bases into the intron after coding-DNA position 2130, G replaced by A.
Molecular consequence: intron variant.
Genome position (GRCh38, 1-based): chr2:96,808,747, G>A. VCF-style: chr2-96808747-G-A. GRCh37 (hg19) VCF-style: chr2-97474484-G-A.
Identifiers: ClinVar variation 198236 (VCV000198236.18), dbSNP rs200517269, ClinGen allele CA246782.
Genomic context (GRCh38, chr2:96,808,747, plus strand): 5'-GCCAGTACATCTCTGACTTCAGCGTCCGGGCACTCGTGGACTTGCAGTACATCAAGGTGA[G>A]TGCCTCACTGCCCTGTCTGGGCAGTGCTATCTTCTGCTCAGGAATCAGCTACTACTTTCA-3'

ClinVar aggregate classification (germline): Conflicting classifications of pathogenicity. Review status: criteria provided, conflicting classifications (1 of 4 stars). 7 submissions from 7 submitters: Uncertain significance (5); Likely benign (1). 1 of the submissions does not count toward it. Last evaluated 2024-11-19.

Conditions:
CNNM4-related disorder. Also called: CNNM4-related condition.
Retinitis pigmentosa (RP). Identifiers: Orphanet 791, MedGen C0035334, MeSH D012174, MONDO:0019200, OMIM 268000. Inheritance: Autosomal dominant, autosomal recessive and X linked inheritance.
Jalili syndrome. Also called: CONE-ROD DYSTROPHY AND AMELOGENESIS IMPERFECTA. Identifiers: Orphanet 1873, MedGen C3495589, MONDO:0009007, OMIM 217080.

Allele frequency attached by ClinVar (database versions not stated): gnomAD 0.00024 and 0.00025; TOPMed 0.00024; ExAC 0.00032; gnomAD exomes 0.00032 and 0.00050; 1000 Genomes Project 0.00040; 1000 Genomes Project 30x 0.00047; ESP Exome Variant Server 0.00062.
gnomAD v4.1: 760 of 1,613,802 alleles (0.047%); highest among the groups gnomAD compares: South Asian, 0.1%; 1 homozygote.

Submissions (10):

PreventionGenetics, part of Exact Sciences
Classification: Likely benign for CNNM4-related condition. Last evaluated: 2024-11-19. Review status: criteria provided, single submitter. Criteria: ACMG Guidelines, 2015. Collection method: clinical testing. Allele origin: germline.
Comment: This variant is classified as likely benign based on ACMG/AMP sequence variant interpretation guidelines (Richards et al. 2015 PMID: 25741868, with internal and published modifications).

Blueprint Genetics
Classification: Uncertain significance. Last evaluated: 2024-11-18. Review status: criteria provided, single submitter. Criteria: ACMG Guidelines, 2015. Collection method: clinical testing. Allele origin: germline.

Labcorp Genetics (formerly Invitae), Labcorp
Classification: Uncertain significance. Last evaluated: 2022-08-22. Review status: criteria provided, single submitter. Criteria: Invitae Variant Classification Sherloc (09022015). Collection method: clinical testing. Allele origin: germline.
Comment: This sequence change falls in intron 6 of the CNNM4 gene. It does not directly change the encoded amino acid sequence of the CNNM4 protein. It affects a nucleotide within the consensus splice site. This variant is present in population databases (rs200517269, gnomAD 0.1%). This variant has been observed in individual(s) with retinitis pigmentosa (PMID: 30718709). ClinVar contains an entry for this variant (Variation ID: 198236). Variants that disrupt the consensus splice site are a relatively common cause of aberrant splicing (PMID: 17576681, 9536098). Algorithms developed to predict the effect of sequence changes on RNA splicing suggest that this variant is not likely to affect RNA splicing. In summary, the available evidence is currently insufficient to determine the role of this variant in disease. Therefore, it has been classified as a Variant of Uncertain Significance.

Illumina Laboratory Services, Illumina
Classification: Uncertain significance for Jalili syndrome. Last evaluated: 2018-01-12. Review status: criteria provided, single submitter. Criteria: ICSL Variant Classification Criteria 13 December 2019. Collection method: clinical testing. Allele origin: germline.

Eurofins Ntd Llc (ga)
Classification: Uncertain significance. Last evaluated: 2015-01-05. Review status: criteria provided, single submitter. Criteria: EGL Classification Definitions 2015. Collection method: clinical testing. Allele origin: germline. Observed: 1 variant allele, 1 heterozygote.

Breakthrough Genomics
Classification: Uncertain significance. Review status: criteria provided, single submitter. Criteria: ACMG Guidelines, 2015. Collection method: not provided. Allele origin: germline. Inheritance: Autosomal recessive inheritance. Affected: yes.

Department of Clinical Genetics, Copenhagen University Hospital, Rigshospitalet
Classification: Uncertain significance for Retinitis pigmentosa. Last evaluated: 2018-04-01. Review status: no assertion criteria provided. Collection method: research. Allele origin: unknown. Affected: yes. Study: VeluxRD. Not counted in ClinVar's aggregate classification.

Dr. Peter K. Rogan Lab, Western University
No classification provided (evidence only). Condition: Acute myeloid leukemia. Review status: no classification provided. Collection method: in vitro. Allele origin: not applicable. Functional consequence: retained intron. Not counted in ClinVar's aggregate classification.

Dr. Peter K. Rogan Lab, Western University
No classification provided (evidence only). Condition: Colon adenocarcinoma. Review status: no classification provided. Collection method: in vitro. Allele origin: not applicable. Functional consequence: retained intron. Not counted in ClinVar's aggregate classification.

Dr. Peter K. Rogan Lab, Western University
No classification provided (evidence only). Condition: Familial pancreatic carcinoma. Review status: no classification provided. Collection method: in vitro. Allele origin: not applicable. Functional consequence: retained intron. Not counted in ClinVar's aggregate classification.

Literature cited by the submitters: PubMed 30718709 (cited by Labcorp Genetics (formerly Invitae), Labcorp and Department of Clinical Genetics, Copenhagen University Hospital, Rigshospitalet); PubMed 17576681 (cited by Labcorp Genetics (formerly Invitae), Labcorp); PubMed 9536098 (cited by Labcorp Genetics (formerly Invitae), Labcorp).